The following is an entry in ClinVar:

ClinVar aggregate classification (germline): Conflicting classifications of pathogenicity. Review status: criteria provided, conflicting classifications (1 of 4 stars). 2 submissions from 2 submitters: Uncertain significance (1); Likely benign (1). Last evaluated 2025-10-20.

Conditions:
Congenital contractural arachnodactyly (CCA). Also called: BEALS SYNDROME; Arthrogryposis, distal, type 9; Beals-Hecht syndrome. Identifiers: Orphanet 115, MedGen C0220668, MONDO:0007363, OMIM 121050.

Allele frequency attached by ClinVar (database versions not stated): gnomAD 0.00002; TOPMed 0.00004; gnomAD exomes 0.00007; ExAC 0.00011.
gnomAD v4.1: 46 of 1,612,852 alleles (0.0029%); highest among the groups gnomAD compares: East Asian, 0.022%; no homozygotes.

Submissions (2):

Labcorp Genetics (formerly Invitae), Labcorp
Classification: Likely benign for Congenital contractural arachnodactyly. Last evaluated: 2025-10-20. Review status: criteria provided, single submitter. Criteria: Invitae Variant Classification Sherloc (09022015). Collection method: clinical testing. Allele origin: germline.

GeneDx
Classification: Uncertain significance. Last evaluated: 2023-09-21. Review status: criteria provided, single submitter. Criteria: GeneDx Variant Classification Process June 2021. Collection method: clinical testing. Allele origin: germline. Affected: yes.
Comment: Has not been previously published as pathogenic or benign to our knowledge; In silico analysis supports that this missense variant does not alter protein structure/function; Although located in a calcium-binding EGF-like domain of the FBN2 gene, it does not substitute or introduce a cysteine residue (Callewaert et al., 2009; Frederic et al., 2009); This variant is associated with the following publications: (PMID: 19006240, 18767143)

NM_001999.4(FBN2):c.5854G>A (p.Val1952Ile)

Gene: FBN2 (fibrillin 2; minus strand). Cytogenetic location: 5q23.3.
Variant type: single nucleotide variant.
Coding change: c.5854G>A on transcript NM_001999.4 (MANE Select); coding-DNA position 5854, G replaced by A.
Protein change: p.Val1952Ile; replaces valine 1952 with isoleucine.
Molecular consequence: missense variant.
Genome position (GRCh38, 1-based): chr5:128,303,036, C>T on the plus strand (G>A on the coding strand, the complement: FBN2 is on the minus strand). VCF-style: chr5-128303036-C-T. GRCh37 (hg19) VCF-style: chr5-127638728-C-T.
Other names: short protein forms V1952I.
Identifiers: ClinVar variation 411813 (VCV000411813.12), dbSNP rs763393398, ClinGen allele CA3394570.
Genomic context (GRCh38, chr5:128,303,036, plus strand): 5'-GGCAATCATTATTATGAGTGAGTTCAAACCCTGGGTAGCACAGACAGTTATAGGATCCAA[C>T]GGTGTTTTTACAAGTTCCATTTCCACATGGATGCCGCTCGCACTCATCAACATCTATAAA-3'
Protein context (NP_001990.2, residues 1942-1962): PCGNGTCKNT[Val1952Ile]GSYNCLCYPG